The following is an entry in ClinVar:

NM_001184.4(ATR):c.891G>A (p.Lys297=)

Gene: ATR (ATR checkpoint kinase; minus strand). Cytogenetic location: 3q23.
Variant type: single nucleotide variant.
Coding change: c.891G>A on transcript NM_001184.4 (MANE Select); coding-DNA position 891, G replaced by A.
Protein change: p.Lys297=; no amino-acid change (lysine 297 retained).
Molecular consequence: synonymous variant.
Genome position (GRCh38, 1-based): chr3:142,562,511, C>T on the plus strand (G>A on the coding strand, the complement: ATR is on the minus strand). VCF-style: chr3-142562511-C-T. GRCh37 (hg19) VCF-style: chr3-142281353-C-T.
Other names: c.891G>A, p.Lys297= (NM_001354579.2).
Identifiers: ClinVar variation 1765113 (VCV001765113.29), dbSNP rs2229033, ClinGen allele CA2650709.

ClinVar aggregate classification (germline): Likely benign. Review status: criteria provided, multiple submitters, no conflicts (2 of 4 stars). 3 submissions from 3 submitters: Likely benign (3). Last evaluated 2025-04-24.

Conditions:
Inborn genetic diseases. Identifiers: MedGen C0950123, MeSH D030342.

Submissions (3):

Labcorp Genetics (formerly Invitae), Labcorp
Classification: Likely benign. Last evaluated: 2025-04-24. Review status: criteria provided, single submitter. Criteria: Invitae Variant Classification Sherloc (09022015). Collection method: clinical testing. Allele origin: germline.

CeGaT Center for Human Genetics Tuebingen
Classification: Likely benign. Last evaluated: 2022-03-01. Review status: criteria provided, single submitter. Criteria: CeGaT Center For Human Genetics Tuebingen Variant Classification Criteria Version 2. Collection method: clinical testing. Allele origin: germline. Affected: yes. Observed: 1 variant allele.
Comment: ATR: BP4, BP7

Ambry Genetics
Classification: Likely benign for Inborn genetic diseases. Last evaluated: 2022-02-12. Review status: criteria provided, single submitter. Criteria: Ambry Variant Classification Scheme 2023. Collection method: clinical testing. Allele origin: germline.